The following is an entry in ClinVar:

NM_003482.4(KMT2D):c.3864G>A (p.Lys1288=)

Genes: KMT2D (lysine methyltransferase 2D; minus strand), LOC126861520 (CDK7 strongly-dependent group 2 enhancer GRCh37_chr12:49442744-49443943; plus strand). Cytogenetic location: 12q13.12.
Variant type: single nucleotide variant.
Coding change: c.3864G>A on transcript NM_003482.4 (MANE Select); coding-DNA position 3864, G replaced by A.
Protein change: p.Lys1288=; no amino-acid change (lysine 1288 retained).
Molecular consequence: synonymous variant.
Genome position (GRCh38, 1-based): chr12:49,049,724, C>T on the plus strand (G>A on the coding strand, the complement: KMT2D is on the minus strand). VCF-style: chr12-49049724-C-T. GRCh37 (hg19) VCF-style: chr12-49443507-C-T.
Identifiers: ClinVar variation 3044758 (VCV003044758.2), dbSNP rs2120639102, ClinGen allele CA479514731.
Genomic context (GRCh38, chr12:49,049,724, plus strand): 5'-AGCTAGATAGCCCCTCACCTGTTTGATGCGGGAACGGGCTGGGGAGCTGCGCCGCCGCCC[C>T]TTCTCCCCCTCAGCTTTGCCTCCGCTGATAGCTGTCCCAGCATCGCACAATAGTGAGTCA-3'
Protein context (NP_003473.3, residues 1278-1298): AISGGKAEGE[Lys1288=]GRRRSSPARS

ClinVar aggregate classification (germline): Likely benign (0 of 4 stars; one submission).

Conditions:
KMT2D-related disorder. Also called: KMT2D-Related Disorders.

Submission:

PreventionGenetics, part of Exact Sciences
Classification: Likely benign for KMT2D-related condition. Last evaluated: 2023-02-09. Review status: no assertion criteria provided. Collection method: clinical testing. Allele origin: germline.
Comment: This variant is classified as likely benign based on ACMG/AMP sequence variant interpretation guidelines (Richards et al. 2015 PMID: 25741868, with internal and published modifications).